The following is an entry in ClinVar:

ClinVar aggregate classification (germline): Uncertain significance. Review status: criteria provided, multiple submitters, no conflicts (2 of 4 stars). 5 submissions from 5 submitters: Uncertain significance (4). 1 of the submissions does not count toward it. Last evaluated 2026-04-16.

Conditions:
Inherited polyposis and early onset colorectal cancer - germline testing.
Hereditary nonpolyposis colorectal neoplasms. Identifiers: MedGen C0009405, MeSH D003123.
Hereditary cancer-predisposing syndrome. Also called: Hereditary neoplastic syndrome; Hereditary Cancer Syndrome; Neoplastic Syndromes, Hereditary; Tumor predisposition. Identifiers: Orphanet 140162, MedGen C0027672, MeSH D009386, MONDO:0015356.
Lynch syndrome 5 (LYNCH5). Also called: Hereditary non-polyposis colorectal cancer, type 5; Colorectal cancer, hereditary nonpolyposis, type 5. Identifiers: Orphanet 144, MedGen C1833477, MONDO:0013710, OMIM 614350. Disease mechanism: loss of function.

Allele frequency attached by ClinVar (database versions not stated): gnomAD exomes below 0.00001.
gnomAD v4.1: 3 of 1,614,110 alleles (0.00019%); highest among the groups gnomAD compares: East Asian, 0.0045%; no homozygotes.

Submissions (5):

Genomics and Molecular Medicine Service, East Genomic Laboratory Hub, NHS Genomic Medicine Service
Classification: Uncertain significance for Inherited polyposis and early onset colorectal cancer - germline testing. Last evaluated: 2026-04-16. Review status: criteria provided, single submitter. Criteria: ACGS Best Practice Guidelines for Variant Classification in Rare Disease 2020. Collection method: clinical testing. Allele origin: germline. Affected: yes.
Comment: PM2_Supporting

Ambry Genetics
Classification: Uncertain significance for Hereditary cancer-predisposing syndrome. Last evaluated: 2025-09-03. Review status: criteria provided, single submitter. Criteria: Ambry Variant Classification Scheme 2023. Collection method: clinical testing. Allele origin: germline.
Comment: The p.I788V variant (also known as c.2362A>G), located in coding exon 4 of the MSH6 gene, results from an A to G substitution at nucleotide position 2362. The isoleucine at codon 788 is replaced by valine, an amino acid with highly similar properties. This amino acid position is highly conserved in available vertebrate species. In addition, this alteration is predicted to be deleterious by in silico analysis. Based on the available evidence, the clinical significance of this variant remains unclear.

Genomic Medicine Center of Excellence, King Faisal Specialist Hospital and Research Centre
Classification: Uncertain significance for Lynch syndrome 5. Last evaluated: 2024-12-19. Review status: criteria provided, single submitter. Criteria: ACMG Guidelines, 2015. Collection method: clinical testing. Allele origin: germline.

Labcorp Genetics (formerly Invitae), Labcorp
Classification: Uncertain significance for Hereditary nonpolyposis colorectal neoplasms. Last evaluated: 2024-07-30. Review status: criteria provided, single submitter. Criteria: Invitae Variant Classification Sherloc (09022015). Collection method: clinical testing. Allele origin: germline.
Comment: This sequence change replaces isoleucine, which is neutral and non-polar, with valine, which is neutral and non-polar, at codon 788 of the MSH6 protein (p.Ile788Val). This variant is not present in population databases (gnomAD no frequency). This missense change has been observed in individual(s) with biliary tract cancer and/or breast cancer (PMID: 29263802, 36243179). ClinVar contains an entry for this variant (Variation ID: 134850). Advanced modeling of protein sequence and biophysical properties (such as structural, functional, and spatial information, amino acid conservation, physicochemical variation, residue mobility, and thermodynamic stability) has been performed at Invitae for this missense variant, however the output from this modeling did not meet the statistical confidence thresholds required to predict the impact of this variant on MSH6 protein function. In summary, the available evidence is currently insufficient to determine the role of this variant in disease. Therefore, it has been classified as a Variant of Uncertain Significance.

ITMI
No classification provided. Condition: AllHighlyPenetrant. Last evaluated: 2013-09-19. Review status: no classification provided. Collection method: reference population. Allele origin: germline. Not counted in ClinVar's aggregate classification.
Comment: Please see associated publication for description of ethnicities

Literature cited by the submitters: PubMed 29263802 (cited by Ambry Genetics and Labcorp Genetics (formerly Invitae), Labcorp); PubMed 36243179 (cited by Labcorp Genetics (formerly Invitae), Labcorp); PubMed 24728327 (cited by ITMI).

NM_000179.3(MSH6):c.2362A>G (p.Ile788Val)

Gene: MSH6 (mutS homolog 6; plus strand). Cytogenetic location: 2p16.3.
Variant type: single nucleotide variant.
Coding change: c.2362A>G on transcript NM_000179.3 (MANE Select); coding-DNA position 2362, A replaced by G.
Protein change: p.Ile788Val; replaces isoleucine 788 with valine.
Molecular consequence: missense variant.
Genome position (GRCh38, 1-based): chr2:47,800,345, A>G. VCF-style: chr2-47800345-A-G. GRCh37 (hg19) VCF-style: chr2-48027484-A-G.
Other names: c.1972A>G, p.Ile658Val (NM_001281492.2); c.1456A>G, p.Ile486Val (NM_001281493.2, NM_001281494.2); short protein forms I788V, I486V, I658V.
Identifiers: ClinVar variation 134850 (VCV000134850.16), dbSNP rs587778530, ClinGen allele CA010122.